The following is an entry in ClinVar:

ClinVar aggregate classification (germline): Conflicting classifications of pathogenicity. Review status: criteria provided, conflicting classifications (1 of 4 stars). 11 submissions from 11 submitters: Uncertain significance (9); Likely benign (1). 1 of the submissions does not count toward it. Last evaluated 2025-12-08.

Conditions:
ATM-related disorder. Also called: ATM-related disorders; ATM-related condition.
Hereditary cancer-predisposing syndrome. Also called: Neoplastic Syndromes, Hereditary; Tumor predisposition; Hereditary neoplastic syndrome; Hereditary Cancer Syndrome. Identifiers: Orphanet 140162, MedGen C0027672, MeSH D009386, MONDO:0015356.
Familial cancer of breast. Also called: Hereditary breast cancer; BREAST CANCER, FAMILIAL; hereditary breast carcinoma. Identifiers: Orphanet 227535, MedGen C0346153, MONDO:0016419, OMIM 114480. Disease mechanism: loss of function.
Ataxia-telangiectasia syndrome (AT). Also called: Cerebello-oculocutaneous telangiectasia; Immunodeficiency with ataxia telangiectasia; AT, COMPLEMENTATION GROUP C; LOUIS-BAR SYNDROME; Ataxia-telangiectasia, complementation group E; ATAXIA-TELANGIECTASIA, COMPLEMENTATION GROUP A. Identifiers: Orphanet 100, MedGen C0004135, MONDO:0008840, OMIM 208900.

Allele frequency attached by ClinVar (database versions not stated): TOPMed 0.00001; gnomAD 0.00003.
gnomAD v4.1: 23 of 1,612,838 alleles (0.0014%); highest among the groups gnomAD compares: African/African-American, 0.0027%; no homozygotes.

Submissions (11):

Labcorp Genetics (formerly Invitae), Labcorp
Classification: Likely benign for Ataxia-telangiectasia syndrome. Last evaluated: 2025-12-08. Review status: criteria provided, single submitter. Criteria: Invitae Variant Classification Sherloc (09022015). Collection method: clinical testing. Allele origin: germline.

Women's Health and Genetics/Laboratory Corporation of America, LabCorp
Classification: Uncertain significance. Last evaluated: 2025-12-08. Review status: criteria provided, single submitter. Criteria: LabCorp Variant Classification Summary - May 2015. Collection method: clinical testing. Allele origin: germline.
Comment: Variant summary: ATM c.4304A>C (p.Lys1435Thr) results in a non-conservative amino acid change in the encoded protein sequence. Algorithms developed to predict the effect of missense changes on protein structure and function are either unavailable or do not agree on the potential impact of this missense change. The variant allele was found at a frequency of 4e-06 in 250358 control chromosomes (gnomAD). The available data on variant occurrences in the general population are insufficient to allow any conclusion about variant significance. c.4304A>C has been observed in individuals affected with Breast Cancer or hematologic malignancies including chronic lymphocytic leukemia without strong evidence for causality (e.g. Dorling_2021, Lampson_2023). These reports do not provide unequivocal conclusions about association of the variant with Breast Cancer. To our knowledge, no experimental evidence demonstrating an impact on protein function has been reported. The following publications have been ascertained in the context of this evaluation (PMID: 28779002, 36315919, 33471991). ClinVar contains an entry for this variant (Variation ID: 188194). Based on the evidence outlined above, the variant was classified as uncertain significance.

Quest Diagnostics Nichols Institute San Juan Capistrano
Classification: Uncertain significance. Last evaluated: 2025-09-08. Review status: criteria provided, single submitter. Criteria: Quest Diagnostics criteria. Collection method: clinical testing. Allele origin: unknown.

PreventionGenetics, part of Exact Sciences
Classification: Uncertain significance for ATM-related condition. Last evaluated: 2025-07-14. Review status: criteria provided, single submitter. Criteria: ACMG Guidelines, 2015. Collection method: clinical testing. Allele origin: germline.
Comment: The ATM c.4304A>C variant is predicted to result in the amino acid substitution p.Lys1435Thr. This variant has been reported in individuals with breast cancer in one study (Breast Cancer Association Consortium et al. 2021. PubMed ID: 33471991) and was identified in another study of individuals with breast cancer, however it is unclear as to whether the variant was identified in patients or controls (Supplementary Table 6, Decker et al. 2017. PubMed ID: 28779002). This variant is reported in 0.0033% of alleles in individuals of South Asian descent in gnomAD and has conflicting interpretations of pathogenicity ranging from uncertain to likely benign in the ClinVar database. At this time, the clinical significance of this variant is uncertain due to the absence of conclusive functional and genetic evidence.

Molecular Pathology, Peter Maccallum Cancer Centre
Classification: Uncertain significance for Ataxia-telangiectasia syndrome. Last evaluated: 2025-02-20. Review status: criteria provided, single submitter. Criteria: ACMG Guidelines, 2015. Collection method: clinical testing. Allele origin: germline. Inheritance: Autosomal recessive inheritance.

Ambry Genetics
Classification: Uncertain significance for Hereditary cancer-predisposing syndrome. Last evaluated: 2024-03-21. Review status: criteria provided, single submitter. Criteria: Ambry Variant Classification Scheme 2023. Collection method: clinical testing. Allele origin: germline.
Comment: The p.K1435T variant (also known as c.4304A>C), located in coding exon 28 of the ATM gene, results from an A to C substitution at nucleotide position 4304. The lysine at codon 1435 is replaced by threonine, an amino acid with similar properties. This alteration has been reported in at least one breast cancer patient in a study of 13087 breast cancer cases and 5488 control individuals in the UK (Decker B et al. J Med Genet, 2017 11;54:732-741). This amino acid position is not well conserved in available vertebrate species. In addition, the in silico prediction for this alteration is inconclusive. Since supporting evidence is limited at this time, the clinical significance of this alteration remains unclear.

Baylor Genetics
Classification: Uncertain significance for Familial cancer of breast. Last evaluated: 2024-01-31. Review status: criteria provided, single submitter. Criteria: ACMG Guidelines, 2015. Collection method: clinical testing. Allele origin: unknown.

Color Diagnostics, LLC DBA Color Health
Classification: Uncertain significance for Hereditary cancer-predisposing syndrome. Last evaluated: 2022-07-11. Review status: criteria provided, single submitter. Criteria: ACMG Guidelines, 2015. Collection method: clinical testing. Allele origin: germline.
Comment: This missense variant replaces lysine with threonine at codon 1435 of the ATM protein. Computational prediction suggests that this variant may not impact protein structure and function (internally defined REVEL score threshold <= 0.5, PMID: 27666373). To our knowledge, functional studies have not been reported for this variant. This variant has been reported in individuals affected with breast cancer and in an unaffected individual (PMID: 28779002). In a large international case-control study, this variant was reported in 3/60466 breast cancer cases and absent in 53461 controls (PMID: 33471991). This variant has been identified in 1/250358 chromosomes in the general population by the Genome Aggregation Database (gnomAD). The available evidence is insufficient to determine the role of this variant in disease conclusively. Therefore, this variant is classified as a Variant of Uncertain Significance.

Sema4
Classification: Uncertain significance for Hereditary cancer-predisposing syndrome. Last evaluated: 2022-02-17. Review status: criteria provided, single submitter. Criteria: Sema4 Curation Guidelines. Collection method: curation. Allele origin: germline.
Comment: The ATM c.4304A>C (p.K1435T) variant has been reported in at least 1 individual in a cohort of 13087 breast cancer patients and 5488 controls (PMID 28779002). The variant has also been reported in 3 women with breast cancer in a large dataset of 60,466 women with breast cancer, but not in 53,461 controls (PMID 33471991). This variant was observed in 1/30434 chromosomes in the South Asian population according to the Genome Aggregation Database (PMID 32461654). The variant has been reported in ClinVar (Variation ID 188194). Functional studies have not been performed, and in silico predictions of the variant's effect on protein function are inconclusive. The evidence is insufficient to meet ACMG/AMP criteria for classifying the variant as benign or pathogenic. Thus, the clinical significance of this variant is currently uncertain.

GeneDx
Classification: Uncertain significance. Last evaluated: 2018-09-28. Review status: criteria provided, single submitter. Criteria: GeneDx Variant Classification (06012015). Collection method: clinical testing. Allele origin: germline. Affected: yes.
Comment: This variant is denoted ATM c.4304A>C at the cDNA level, p.Lys1435Thr (K1435T) at the protein level, and results in the change of a Lysine to a Threonine (AAG>ACG). This variant has been observed in breast cancer cases as well as an unaffected control (Decker 2017). ATM Lys1435Thr was not observed at a significant allele frequency in large population cohorts (Lek 2016). This very is not located in a known functional domain. In silico analysis, which includes protein predictors and evolutionary conservation, supports a deleterious effect. Based on currently available evidence, it is unclear whether ATM Lys1435Thr is a pathogenic or benign variant. We consider it to be a variant of uncertain significance.

Natera, Inc.
Classification: Uncertain significance for Ataxia-telangiectasia. Last evaluated: 2020-01-10. Review status: no assertion criteria provided. Collection method: clinical testing. Allele origin: germline. Not counted in ClinVar's aggregate classification.

Literature cited by the submitters: PubMed 28779002 (cited by 4 submitters); PubMed 33471991 (cited by 3 submitters); PubMed 36315919 (cited by Women's Health and Genetics/Laboratory Corporation of America, LabCorp).

NM_000051.4(ATM):c.4304A>C (p.Lys1435Thr)

Gene: ATM (ATM serine/threonine kinase; plus strand). Cytogenetic location: 11q22.3.
Variant type: single nucleotide variant.
Coding change: c.4304A>C on transcript NM_000051.4 (MANE Select); coding-DNA position 4304, A replaced by C.
Protein change: p.Lys1435Thr; replaces lysine 1435 with threonine.
Molecular consequence: missense variant.
Genome position (GRCh38, 1-based): chr11:108,289,669, A>C. VCF-style: chr11-108289669-A-C. GRCh37 (hg19) VCF-style: chr11-108160396-A-C.
Other names: c.4304A>C, p.Lys1435Thr (NM_001351834.2); short protein forms K1435T.
Identifiers: ClinVar variation 188194 (VCV000188194.29), dbSNP rs769980220, ClinGen allele CA334280.